The following is an entry in ClinVar:

ClinVar aggregate classification (germline): Likely pathogenic (1 of 4 stars; one submission).

Conditions:
Inborn genetic diseases. Identifiers: MedGen C0950123, MeSH D030342.

Submission:

Ambry Genetics
Classification: Likely pathogenic for Inborn genetic diseases. Last evaluated: 2018-03-21. Review status: criteria provided, single submitter. Criteria: Ambry Variant Classification Scheme 2023. Collection method: clinical testing. Allele origin: germline.
Comment: The c.3413+1G>C intronic variant results from a G to C substitution one nucleotide after coding exon 25 of the CHD2 gene. This nucleotide position is highly conserved in available vertebrate species. Using the BDGP and ESEfinder splice site prediction tools, this alteration is predicted to abolish the native splice donor site; however, direct evidence is unavailable. Alterations that disrupt the canonical splice site are expected to cause aberrant splicing, resulting in an abnormal protein or a transcript that is subject to nonsense-mediated mRNA decay. As such, this alteration is classified as likely pathogenic.

NM_001271.4(CHD2):c.3413+1G>C

Gene: CHD2 (chromodomain helicase DNA binding protein 2; plus strand). Cytogenetic location: 15q26.1.
Variant type: single nucleotide variant.
Coding change: c.3413+1G>C on transcript NM_001271.4 (MANE Select); the canonical splice donor site of the intron after coding-DNA position 3413, G replaced by C.
Molecular consequence: splice donor variant.
Genome position (GRCh38, 1-based): chr15:92,985,674, G>C. VCF-style: chr15-92985674-G-C. GRCh37 (hg19) VCF-style: chr15-93528904-G-C.
Identifiers: ClinVar variation 1731188 (VCV001731188.2), dbSNP rs2505562587, ClinGen allele CA393895865.